The following is an entry in ClinVar:

NM_024408.4(NOTCH2):c.6820C>T (p.Pro2274Ser)

Gene: NOTCH2 (notch receptor 2; minus strand). Cytogenetic location: 1p12.
Variant type: single nucleotide variant.
Coding change: c.6820C>T on transcript NM_024408.4 (MANE Select); coding-DNA position 6820, C replaced by T.
Protein change: p.Pro2274Ser; replaces proline 2274 with serine.
Molecular consequence: missense variant.
Genome position (GRCh38, 1-based): chr1:119,915,902, G>A on the plus strand (C>T on the coding strand, the complement: NOTCH2 is on the minus strand). VCF-style: chr1-119915902-G-A. GRCh37 (hg19) VCF-style: chr1-120458525-G-A.
Other names: short protein forms P2274S.
Identifiers: ClinVar variation 4810699 (VCV004810699.1).

ClinVar aggregate classification (germline): Uncertain significance (1 of 4 stars; one submission).

Conditions:
Hajdu-Cheney syndrome (HJCYS). Also called: SERPENTINE FIBULA-POLYCYSTIC KIDNEY SYNDROME; Acroosteolysis dominant type; ACROOSTEOLYSIS WITH OSTEOPOROSIS AND CHANGES IN SKULL AND MANDIBLE. Identifiers: Orphanet 955, MedGen C0917715, MONDO:0007057, OMIM 102500.

gnomAD v4.1: 3 of 1,614,178 alleles (0.00019%); highest among the groups gnomAD compares: South Asian, 0.0011%; no homozygotes.

Submission:

Labcorp Genetics (formerly Invitae), Labcorp
Classification: Uncertain significance for Hajdu-Cheney syndrome. Last evaluated: 2026-01-13. Review status: criteria provided, single submitter. Criteria: Invitae Variant Classification Sherloc (09022015). Collection method: clinical testing. Allele origin: germline.
Comment: This sequence change replaces proline, which is neutral and non-polar, with serine, which is neutral and polar, at codon 2274 of the NOTCH2 protein (p.Pro2274Ser). This variant is present in population databases (rs369659944, gnomAD 0.0009%). This variant has not been reported in the literature in individuals affected with NOTCH2-related conditions. Invitae Evidence Modeling of protein sequence and biophysical properties (such as structural, functional, and spatial information, amino acid conservation, physicochemical variation, residue mobility, and thermodynamic stability) indicates that this missense variant is not expected to disrupt NOTCH2 protein function with a negative predictive value of 80%. In summary, the available evidence is currently insufficient to determine the role of this variant in disease. Therefore, it has been classified as a Variant of Uncertain Significance.